The following is an entry in ClinVar:

NM_001277313.2(FMN1):c.4051G>T (p.Val1351Leu)

Gene: FMN1 (formin 1; minus strand). Cytogenetic location: 15q13.3.
Variant type: single nucleotide variant.
Coding change: c.4051G>T on transcript NM_001277313.2 (MANE Select); coding-DNA position 4051, G replaced by T.
Protein change: p.Val1351Leu; replaces valine 1351 with leucine.
Molecular consequence: missense variant.
Genome position (GRCh38, 1-based): chr15:32,798,883, C>A on the plus strand (G>T on the coding strand, the complement: FMN1 is on the minus strand). VCF-style: chr15-32798883-C-A. GRCh37 (hg19) VCF-style: chr15-33091084-C-A.
Other names: c.3382G>T, p.Val1128Leu (NM_001103184.4); short protein forms V1128L, V1351L.
Identifiers: ClinVar variation 1471090 (VCV001471090.6), dbSNP rs76835557, ClinGen allele CA391556666.
Genomic context (GRCh38, chr15:32,798,883, plus strand): 5'-TACTCTCCCGTTTCCAAATTGTCTTGAAGTCACTGCAGAACTCATACCACACCATAAACA[C>A]GTAGCTGGGTGTGATCTCCTTCTCACCAGACTTTGGCTTCATCCCAAAATATCGTACTGT-3'
Protein context (NP_001264242.1, residues 1341-1361): SGEKEITPSY[Val1351Leu]FMVWYEFCSD

ClinVar aggregate classification (germline): Uncertain significance (1 of 4 stars; one submission).

gnomAD v4.1: 1 of 1,613,314 alleles (0.000062%); highest among the groups gnomAD compares: Non-Finnish European, 0.000085%; no homozygotes.

Submission:

Labcorp Genetics (formerly Invitae), Labcorp
Classification: Uncertain significance. Last evaluated: 2021-12-01. Review status: criteria provided, single submitter. Criteria: Invitae Variant Classification Sherloc (09022015). Collection method: clinical testing. Allele origin: germline.
Comment: This variant is not present in population databases (gnomAD no frequency). This sequence change replaces valine, which is neutral and non-polar, with leucine, which is neutral and non-polar, at codon 1128 of the FMN1 protein (p.Val1128Leu). This variant has not been reported in the literature in individuals affected with FMN1-related conditions. In summary, the available evidence is currently insufficient to determine the role of this variant in disease. Therefore, it has been classified as a Variant of Uncertain Significance. Algorithms developed to predict the effect of missense changes on protein structure and function are either unavailable or do not agree on the potential impact of this missense change (SIFT: "Tolerated"; PolyPhen-2: "Possibly Damaging"; Align-GVGD: "Class C0").